The following is an entry in ClinVar:

ClinVar aggregate classification (germline): Likely benign (1 of 4 stars; one submission).

Conditions:
Acrocephalosyndactyly type I (ACS1). Also called: Acrocephalo-syndactyly type 1; ACS 1; Syndactylic oxycephaly; Apert syndrome. Identifiers: Orphanet 87, MedGen C0001193, MONDO:0007041, OMIM 101200.

gnomAD v4.1: 1 of 1,614,146 alleles (0.000062%); highest among the groups gnomAD compares: Non-Finnish European, 0.000085%; no homozygotes.

Submission:

Centre for Medical Genetics,  Mumbai
Classification: Likely benign for Acrocephalosyndactyly type I. Last evaluated: 2026-02-20. Review status: criteria provided, single submitter. Criteria: ACMG Guidelines, 2015. Collection method: provider interpretation. Allele origin: germline. Inheritance: Autosomal dominant inheritance. Affected: no. Observed: 1 heterozygote.
Comment: The variant satisfies PM2 criteria; extremely low frequency in gnomAD population databases. The variant satisfies PP2 criteria; missense variant in a gene with low rate of benign missense mutations and for which missense mutation is a common mechanism of a disease. However, the variant satisfies BS2 criteria.

Literature cited by the submitters: PubMed 7719344.

NM_000141.5(FGFR2):c.538C>T (p.Pro180Ser)

Gene: FGFR2 (fibroblast growth factor receptor 2; minus strand). Cytogenetic location: 10q26.13.
Variant type: single nucleotide variant.
Coding change: c.538C>T on transcript NM_000141.5 (MANE Select); coding-DNA position 538, C replaced by T.
Protein change: p.Pro180Ser; replaces proline 180 with serine.
Molecular consequence: missense variant. On other transcripts: non-coding transcript variant (1).
Genome position (GRCh38, 1-based): chr10:121,551,376, G>A on the plus strand (C>T on the coding strand, the complement: FGFR2 is on the minus strand). VCF-style: chr10-121551376-G-A. GRCh37 (hg19) VCF-style: chr10-123310890-G-A.
Other names: c.538C>T, p.Pro180Ser (NM_001144913.1, NM_001144914.1, NM_001144917.2 and 3 more transcripts); c.271C>T, p.Pro91Ser (NM_001144915.2, NM_001144919.2, NM_001441088.1 and 2 more transcripts); c.193C>T, p.Pro65Ser (NM_001144916.2, NM_001144918.2, NM_001441090.1 and 1 more transcripts); short protein forms P180S, P65S, P91S.
Identifiers: ClinVar variation 4812941 (VCV004812941.1).